The following is an entry in ClinVar:

NM_001845.6(COL4A1):c.4842C>T (p.Ile1614=)

Gene: COL4A1 (collagen type IV alpha 1 chain; minus strand). Cytogenetic location: 13q34.
Variant type: single nucleotide variant.
Coding change: c.4842C>T on transcript NM_001845.6 (MANE Select); coding-DNA position 4842, C replaced by T.
Protein change: p.Ile1614=; no amino-acid change (isoleucine 1614 retained).
Molecular consequence: synonymous variant.
Genome position (GRCh38, 1-based): chr13:110,152,420, G>A on the plus strand (C>T on the coding strand, the complement: COL4A1 is on the minus strand). VCF-style: chr13-110152420-G-A. GRCh37 (hg19) VCF-style: chr13-110804767-G-A.
Identifiers: ClinVar variation 2046761 (VCV002046761.29), dbSNP rs146855373, ClinGen allele CA7046788.

ClinVar aggregate classification (germline): Likely benign. Review status: criteria provided, multiple submitters, no conflicts (2 of 4 stars). 3 submissions from 3 submitters: Likely benign (3). Last evaluated 2025-11-11.

Allele frequency attached by ClinVar (database versions not stated): gnomAD exomes 0.00004; ExAC 0.00006; gnomAD 0.00008; TOPMed 0.00009; ESP Exome Variant Server 0.00015.
gnomAD v4.1: 62 of 1,614,062 alleles (0.0038%); highest among the groups gnomAD compares: Middle Eastern, 0.082%; 1 homozygote.

Submissions (3):

Labcorp Genetics (formerly Invitae), Labcorp
Classification: Likely benign. Last evaluated: 2025-11-11. Review status: criteria provided, single submitter. Criteria: Invitae Variant Classification Sherloc (09022015). Collection method: clinical testing. Allele origin: germline.

Blueprint Genetics
Classification: Likely benign. Last evaluated: 2024-06-07. Review status: criteria provided, single submitter. Criteria: ACMG Guidelines, 2015. Collection method: clinical testing. Allele origin: germline.

CeGaT Center for Human Genetics Tuebingen
Classification: Likely benign. Last evaluated: 2022-09-01. Review status: criteria provided, single submitter. Criteria: CeGaT Center For Human Genetics Tuebingen Variant Classification Criteria Version 2. Collection method: clinical testing. Allele origin: germline. Affected: yes. Observed: 1 variant allele.
Comment: COL4A1: BP4, BP7